The following is an entry in ClinVar:

NM_005228.5(EGFR):c.551T>A (p.Leu184Gln)

Gene: EGFR (epidermal growth factor receptor; plus strand). Cytogenetic location: 7p11.2.
Variant type: single nucleotide variant.
Coding change: c.551T>A on transcript NM_005228.5 (MANE Select); coding-DNA position 551, T replaced by A.
Protein change: p.Leu184Gln; replaces leucine 184 with glutamine.
Molecular consequence: missense variant. On other transcripts: intron variant (3).
Genome position (GRCh38, 1-based): chr7:55,146,732, T>A. VCF-style: chr7-55146732-T-A. GRCh37 (hg19) VCF-style: chr7-55214425-T-A.
Other names: c.551T>A, p.Leu184Gln (NM_001346898.2, NM_201282.2, NM_201283.2 and 1 more transcripts); c.392T>A, p.Leu131Gln (NM_001346900.2); c.424+3244T>A (NM_001346899.2, NM_001346897.2); c.89-9098T>A (NM_001346941.2); short protein forms L131Q, L184Q.
Identifiers: ClinVar variation 802313 (VCV000802313.13), dbSNP rs921852102, ClinGen allele CA158901444.

ClinVar aggregate classification (germline): Conflicting classifications of pathogenicity. Review status: criteria provided, conflicting classifications (1 of 4 stars). 4 submissions from 4 submitters: Uncertain significance (2); Likely benign (2). Last evaluated 2026-08-06.

Conditions:
EGFR-related lung cancer (EGFR). Identifiers: MedGen CN130014.
Lung carcinoma. Identifiers: MedGen C0684249, MONDO:0005138.
Lung cancer. Also called: Malignant tumor of lung; Lung cancer, somatic. Identifiers: MedGen C0242379, MONDO:0008903, OMIM 211980.
Hereditary cancer-predisposing syndrome. Also called: Hereditary Cancer Syndrome; Tumor predisposition; Hereditary neoplastic syndrome; Neoplastic Syndromes, Hereditary. Identifiers: Orphanet 140162, MedGen C0027672, MeSH D009386, MONDO:0015356.

gnomAD v4.1: 4 of 1,614,076 alleles (0.00025%); highest among the groups gnomAD compares: Admixed American, 0.0017%; no homozygotes.

Submissions (4):

OLLIN Analises Genomicas, OLLIN
Classification: Uncertain significance for Lung cancer. Last evaluated: 2026-08-06. Review status: criteria provided, single submitter. Criteria: ACMG Guidelines 2015 PMID 25741868. Collection method: clinical testing. Allele origin: germline. Inheritance: Autosomal dominant inheritance.
Comment: This missense variant, located in exon 4 (of 28), has been reported in ClinVar (accession VCV000802314.10) and in gnomAD with an allele frequency of 0.00025%. However, to our knowledge, it has not been reported in the scientific literature. In silico analysis predicts that this variant has a tolerated effect. According to the currently available evidence, this variant has been classified as uncertain significance (BP4_M).

Labcorp Genetics (formerly Invitae), Labcorp
Classification: Uncertain significance for EGFR-related lung cancer. Last evaluated: 2025-02-19. Review status: criteria provided, single submitter. Criteria: Invitae Variant Classification Sherloc (09022015). Collection method: clinical testing. Allele origin: germline.
Comment: This sequence change replaces leucine, which is neutral and non-polar, with glutamine, which is neutral and polar, at codon 184 of the EGFR protein (p.Leu184Gln). This variant is not present in population databases (gnomAD no frequency). This variant has not been reported in the literature in individuals affected with EGFR-related conditions. ClinVar contains an entry for this variant (Variation ID: 802313). Invitae Evidence Modeling of protein sequence and biophysical properties (such as structural, functional, and spatial information, amino acid conservation, physicochemical variation, residue mobility, and thermodynamic stability) indicates that this missense variant is not expected to disrupt EGFR protein function with a negative predictive value of 80%. In summary, the available evidence is currently insufficient to determine the role of this variant in disease. Therefore, it has been classified as a Variant of Uncertain Significance.

Ambry Genetics
Classification: Likely benign for Hereditary cancer-predisposing syndrome. Last evaluated: 2025-02-04. Review status: criteria provided, single submitter. Criteria: Ambry Variant Classification Scheme 2023. Collection method: clinical testing. Allele origin: germline.

Mendelics
Classification: Likely benign for Lung cancer. Last evaluated: 2019-05-28. Review status: criteria provided, single submitter. Criteria: Mendelics Assertion Criteria 2017. Collection method: clinical testing. Allele origin: unknown.